The following is an entry in ClinVar:

NM_000057.4(BLM):c.598A>T (p.Thr200Ser)

Gene: BLM (BLM RecQ like helicase; plus strand). Cytogenetic location: 15q26.1.
Variant type: single nucleotide variant.
Coding change: c.598A>T on transcript NM_000057.4 (MANE Select); coding-DNA position 598, A replaced by T.
Protein change: p.Thr200Ser; replaces threonine 200 with serine.
Molecular consequence: missense variant. On other transcripts: 5 prime UTR variant (1).
Genome position (GRCh38, 1-based): chr15:90,749,866, A>T. VCF-style: chr15-90749866-A-T. GRCh37 (hg19) VCF-style: chr15-91293096-A-T.
Other names: c.598A>T, p.Thr200Ser (NM_001287246.2, NM_001287247.2); c.-694A>T (NM_001287248.2); c.598A>T (NM_000057.2); short protein forms T200S.
Identifiers: ClinVar variation 1466667 (VCV001466667.9), dbSNP rs1895627174, ClinGen allele CA393841141.

ClinVar aggregate classification (germline): Uncertain significance. Review status: criteria provided, multiple submitters, no conflicts (2 of 4 stars). 2 submissions from 2 submitters: Uncertain significance (2). Last evaluated 2025-05-05.

Conditions:
Hereditary cancer-predisposing syndrome. Also called: Tumor predisposition; Hereditary Cancer Syndrome; Hereditary neoplastic syndrome; Neoplastic Syndromes, Hereditary. Identifiers: Orphanet 140162, MedGen C0027672, MeSH D009386, MONDO:0015356.
Bloom syndrome (BLM). Also called: Bloom-Torre-Machacek syndrome. Identifiers: Orphanet 125, MedGen C0005859, MONDO:0008876, OMIM 210900.

Submissions (2):

Labcorp Genetics (formerly Invitae), Labcorp
Classification: Uncertain significance for Bloom syndrome. Last evaluated: 2025-05-05. Review status: criteria provided, single submitter. Criteria: Invitae Variant Classification Sherloc (09022015). Collection method: clinical testing. Allele origin: germline.
Comment: This sequence change replaces threonine, which is neutral and polar, with serine, which is neutral and polar, at codon 200 of the BLM protein (p.Thr200Ser). This variant is not present in population databases (gnomAD no frequency). This variant has not been reported in the literature in individuals affected with BLM-related conditions. ClinVar contains an entry for this variant (Variation ID: 1466667). An algorithm developed to predict the effect of missense changes on protein structure and function (PolyPhen-2) suggests that this variant is likely to be tolerated. In summary, the available evidence is currently insufficient to determine the role of this variant in disease. Therefore, it has been classified as a Variant of Uncertain Significance.

Ambry Genetics
Classification: Uncertain significance for Hereditary cancer-predisposing syndrome. Last evaluated: 2024-02-13. Review status: criteria provided, single submitter. Criteria: Ambry Variant Classification Scheme 2023. Collection method: clinical testing. Allele origin: germline.
Comment: The p.T200S variant (also known as c.598A>T), located in coding exon 2 of the BLM gene, results from an A to T substitution at nucleotide position 598. The threonine at codon 200 is replaced by serine, an amino acid with similar properties. This amino acid position is conserved. In addition, this alteration is predicted to be tolerated by in silico analysis. Based on the available evidence, the clinical significance of this alteration remains unclear.